The following is an entry in ClinVar:

ClinVar aggregate classification (germline): Benign. Review status: criteria provided, multiple submitters, no conflicts (2 of 4 stars). 3 submissions from 3 submitters: Benign (3). Last evaluated 2026-02-04.

Conditions:
Trichohepatoenteric syndrome 2 (THES2). Identifiers: Orphanet 84064, MedGen C3281289, MONDO:0013818, OMIM 614602.

Allele frequency attached by ClinVar (database versions not stated): gnomAD exomes 0.03202 and 0.01843; 1000 Genomes Project 0.01398; 1000 Genomes Project 30x 0.01562; ExAC 0.01650; gnomAD 0.02061 and 0.02102; ESP Exome Variant Server 0.02359; TOPMed 0.02417.
gnomAD v4.1: 49,599 of 1,613,070 alleles (3.1%); highest among the groups gnomAD compares: Non-Finnish European, 3.8%; 978 homozygotes.

Submissions (3):

Labcorp Genetics (formerly Invitae), Labcorp
Classification: Benign. Last evaluated: 2026-02-04. Review status: criteria provided, single submitter. Criteria: Invitae Variant Classification Sherloc (09022015). Collection method: clinical testing. Allele origin: germline.

Mayo Clinic Laboratories, Mayo Clinic
Classification: Benign. Last evaluated: 2019-08-15. Review status: criteria provided, single submitter. Criteria: ACMG Guidelines, 2015. Collection method: clinical testing. Allele origin: germline. Observed: 35 variant alleles.

Illumina Laboratory Services, Illumina
Classification: Benign for Trichohepatoenteric syndrome 2. Last evaluated: 2018-01-13. Review status: criteria provided, single submitter. Criteria: ICSL Variant Classification Criteria 13 December 2019. Collection method: clinical testing. Allele origin: germline.
Comment: This variant was observed in the ICSL laboratory as part of a predisposition screen in an ostensibly healthy population. It had not been previously curated by ICSL or reported in the Human Gene Mutation Database (HGMD: prior to June 1st, 2018), and was therefore a candidate for classification through an automated scoring system. Utilizing variant allele frequency, disease prevalence and penetrance estimates, and inheritance mode, an automated score was calculated to assess if this variant is too frequent to cause the disease. Based on the score and internal cut-off values, a variant classified as benign is not then subjected to further curation. The score for this variant resulted in a classification of benign for this disease.

NM_006929.5(SKIC2):c.2749G>A (p.Val917Met)

Gene: SKIC2 (SKI2 subunit of superkiller complex; plus strand). Cytogenetic location: 6p21.33.
Variant type: single nucleotide variant.
Coding change: c.2749G>A on transcript NM_006929.5 (MANE Select); coding-DNA position 2749, G replaced by A.
Protein change: p.Val917Met; replaces valine 917 with methionine.
Molecular consequence: missense variant.
Genome position (GRCh38, 1-based): chr6:31,967,973, G>A. VCF-style: chr6-31967973-G-A. GRCh37 (hg19) VCF-style: chr6-31935750-G-A.
Other names: short protein forms V917M.
Identifiers: ClinVar variation 356342 (VCV000356342.14), dbSNP rs106287, ClinGen allele CA3729865.
Genomic context (GRCh38, chr6:31,967,973, plus strand): 5'-CTGGGTCCATGGCAATGTCTGCCCTGCTCTCCCCTTTTCACAGGGCCTTGTGACCACACC[G>A]TGGTCAAGCTCCAGCCAGGAGATATGGCTGCCATCACCACCAAGGTGCTCCGGGTGAATG-3'
Protein context (NP_008860.4, residues 907-927): FLPEGPCDHT[Val917Met]VKLQPGDMAA